The following is an entry in ClinVar:

ClinVar aggregate classification (germline): Uncertain significance (1 of 4 stars; one submission).

Conditions:
Cohen syndrome (COH1). Also called: PEPPER SYNDROME; Cutis verticis gyrata, retinitis pigmentosa, and sensorineural deafness. Identifiers: Orphanet 193, MedGen C0265223, MONDO:0008999, OMIM 216550.

Submission:

Labcorp Genetics (formerly Invitae), Labcorp
Classification: Uncertain significance for Cohen syndrome. Last evaluated: 2021-02-17. Review status: criteria provided, single submitter. Criteria: Invitae Variant Classification Sherloc (09022015). Collection method: clinical testing. Allele origin: germline.
Comment: In summary, the available evidence is currently insufficient to determine the role of this variant in disease. Therefore, it has been classified as a Variant of Uncertain Significance. This variant has not been reported in the literature in individuals with VPS13B-related conditions. This variant is not present in population databases (ExAC no frequency). This sequence change creates a premature translational stop signal (p.Gln4003*) in the VPS13B gene. While this is not anticipated to result in nonsense mediated decay, it is expected to disrupt the last 20 amino acid(s) of the VPS13B protein.

NM_152564.5(VPS13B):c.11932C>T (p.Gln3978Ter)

Gene: VPS13B (vacuolar protein sorting 13 homolog B; plus strand). Cytogenetic location: 8q22.2.
Variant type: single nucleotide variant.
Coding change: c.11932C>T on transcript NM_152564.5 (MANE Select); coding-DNA position 11932, C replaced by T.
Protein change: p.Gln3978Ter; replaces glutamine 3978 with a stop codon.
Molecular consequence: nonsense.
Genome position (GRCh38, 1-based): chr8:99,875,604, C>T. VCF-style: chr8-99875604-C-T. GRCh37 (hg19) VCF-style: chr8-100887832-C-T.
Other names: c.12007C>T, p.Gln4003Ter (NM_017890.5); short protein forms Q3978*, Q4003*.
Identifiers: ClinVar variation 1466247 (VCV001466247.6), dbSNP rs2130990800, ClinGen allele CA371796073.